The following is an entry in ClinVar:

NM_000038.6(APC):c.1958+428G>A

Gene: APC (APC regulator of Wnt signaling pathway; plus strand). Cytogenetic location: 5q22.2.
Variant type: single nucleotide variant.
Coding change: c.1958+428G>A on transcript NM_000038.6 (MANE Select); 428 bases into the intron after coding-DNA position 1958, G replaced by A.
Molecular consequence: intron variant.
Genome position (GRCh38, 1-based): chr5:112,835,593, G>A. VCF-style: chr5-112835593-G-A. GRCh37 (hg19) VCF-style: chr5-112171290-G-A.
Other names: c.2012+428G>A (NM_001354896.2, NM_001407447.1, NM_001407448.1 and 1 more transcripts); c.1709+428G>A (NM_001407454.1, NM_001407456.1, NM_001407457.1 and 1 more transcripts); c.1655+428G>A (NM_001354903.2, NM_001407460.1, NM_001407458.1 and 1 more transcripts); c.1874+428G>A (NM_001354899.2); c.1571+428G>A (NM_001407467.1, NM_001407469.1); c.1835+428G>A (NM_001354900.2); c.1781+428G>A (NM_001354901.2, NM_001407453.1); c.1478+428G>A (NM_001354905.2); and 11 more.
Identifiers: ClinVar variation 3127709 (VCV003127709.4), dbSNP rs2533353179, ClinGen allele CA1080227036.
Genomic context (GRCh38, chr5:112,835,593, plus strand): 5'-TCACATTTTTCTAATGATGTCTTAGTATCCATAATAATAATTTTTTTTTTTTTTTTTTGA[G>A]ACAGGGTCTCACTCTGTCTCCCAGACTGGAGGGCAGTGTTGTGATCTTGGCTCACTGCAA-3'

ClinVar aggregate classification (germline): Pathogenic (1 of 4 stars; one submission).

Conditions:
Hereditary cancer-predisposing syndrome. Also called: Tumor predisposition; Hereditary Cancer Syndrome; Hereditary neoplastic syndrome; Neoplastic Syndromes, Hereditary. Identifiers: Orphanet 140162, MedGen C0027672, MeSH D009386, MONDO:0015356.

Submission:

Ambry Genetics
Classification: Pathogenic for Hereditary cancer-predisposing syndrome. Last evaluated: 2026-02-06. Review status: criteria provided, single submitter. Criteria: Ambry Variant Classification Scheme 2023. Collection method: clinical testing. Allele origin: germline.
Comment: The c.1958+428G>A intronic pathogenic mutation results from a G to A substitution 428 nucleotides after coding exon 14 in the APC gene. This nucleotide position is highly conserved in available vertebrate species. This variant has been observed in individuals with a personal and/or family history that is consistent with familial adenomatous polyposis (Ambry internal data; external communication). In silico splice site analysis for this alteration is inconclusive. RNA studies have demonstrated that this alteration results in abnormal splicing in the set of samples tested (Ambry internal data). This variant is considered to be rare based on population cohorts in the Genome Aggregation Database (gnomAD). Based on the supporting evidence, this variant is interpreted as a disease-causing mutation.